The following is an entry in ClinVar:

ClinVar aggregate classification (germline): Likely benign. Review status: criteria provided, multiple submitters, no conflicts (2 of 4 stars). 2 submissions from 2 submitters: Likely benign (2). Last evaluated 2026-05-18.

Conditions:
USP53-related disorder. Also called: USP53-related condition.

gnomAD v4.1: 16 of 1,613,924 alleles (0.00099%); highest among the groups gnomAD compares: Admixed American, 0.012%; no homozygotes.

Submissions (2):

PreventionGenetics, part of Exact Sciences
Classification: Likely benign for USP53-related condition. Last evaluated: 2026-05-18. Review status: criteria provided, single submitter. Criteria: ACMG Guidelines, 2015. Collection method: clinical testing. Allele origin: germline.
Comment: This variant is classified as likely benign based on ACMG/AMP sequence variant interpretation guidelines (Richards et al. 2015 PMID: 25741868, with internal and published modifications).

Labcorp Genetics (formerly Invitae), Labcorp
Classification: Likely benign. Last evaluated: 2025-12-07. Review status: criteria provided, single submitter. Criteria: Invitae Variant Classification Sherloc (09022015). Collection method: clinical testing. Allele origin: germline.

NM_001371395.1(USP53):c.2643G>A (p.Gln881=)

Gene: USP53 (ubiquitin specific peptidase 53; plus strand). Cytogenetic location: 4q26.
Variant type: single nucleotide variant.
Coding change: c.2643G>A on transcript NM_001371395.1 (MANE Select); coding-DNA position 2643, G replaced by A.
Protein change: p.Gln881=; no amino-acid change (glutamine 881 retained).
Molecular consequence: synonymous variant. On other transcripts: 3 prime UTR variant (4).
Genome position (GRCh38, 1-based): chr4:119,292,632, G>A. VCF-style: chr4-119292632-G-A. GRCh37 (hg19) VCF-style: chr4-120213787-G-A.
Other names: c.2490G>A, p.Gln830= (NM_001371396.1, NM_001389661.1); c.*143G>A (NM_001371397.1, NM_001371398.1, NM_001389666.1 and 1 more transcripts); c.2643G>A, p.Gln881= (NM_001371399.1, NM_001389658.1, NM_001389659.1 and 1 more transcripts); c.2493G>A, p.Gln831= (NM_001389660.1); c.2295G>A, p.Gln765= (NM_001389662.1, NM_001389663.1, NM_001389664.1); c.2142G>A, p.Gln714= (NM_001389665.1); c.2643G>A (NM_019050.2).
Identifiers: ClinVar variation 4706435 (VCV004706435.2).